The following is an entry in ClinVar:

NM_002335.4(LRP5):c.1395A>C (p.Ala465=)

Gene: LRP5 (LDL receptor related protein 5; plus strand). Cytogenetic location: 11q13.2.
Variant type: single nucleotide variant.
Coding change: c.1395A>C on transcript NM_002335.4 (MANE Select); coding-DNA position 1395, A replaced by C.
Protein change: p.Ala465=; no amino-acid change (alanine 465 retained).
Molecular consequence: synonymous variant. On other transcripts: 5 prime UTR variant (1).
Genome position (GRCh38, 1-based): chr11:68,386,695, A>C. VCF-style: chr11-68386695-A-C. GRCh37 (hg19) VCF-style: chr11-68154163-A-C.
Other names: p.Ala465=; c.-371A>C (NM_001291902.2).
Identifiers: ClinVar variation 498250 (VCV000498250.23), dbSNP rs200075657, ClinGen allele CA6149318.

ClinVar aggregate classification (germline): Benign/Likely benign. Review status: criteria provided, multiple submitters, no conflicts (2 of 4 stars). 10 submissions from 10 submitters: Benign (3); Likely benign (5). 2 of the submissions do not count toward it. Last evaluated 2026-07-01.

Conditions:
Polycystic liver disease 4 with or without kidney cysts. Identifiers: MedGen C4693479, MONDO:0044327, OMIM 617875.
Exudative vitreoretinopathy 4 (EVR4). Identifiers: Orphanet 891, MedGen C1866176, MONDO:0011151, OMIM 601813.
Autosomal dominant osteopetrosis 1 (OPTA1). Also called: OSTEOPETROSIS, AUTOSOMAL DOMINANT, TYPE I. Identifiers: Orphanet 2783, MedGen C1843330, MONDO:0011877, OMIM 607634.
Osteoporosis with pseudoglioma (OPPG). Also called: osteoporosis-pseudoglioma syndrome. Identifiers: Orphanet 2788, MedGen C0432252, MONDO:0009820, OMIM 259770.
Exudative vitreoretinopathy 1 (EVR1). Also called: CRISWICK-SCHEPENS SYNDROME; FEVR, AUTOSOMAL DOMINANT; Familial exudative vitreoretinopathy, autosomal dominant. Identifiers: Orphanet 891, Orphanet 90050, MedGen C1851402, MONDO:0007589, OMIM 133780.
Bone mineral density quantitative trait locus 1 (BMND1). Identifiers: MedGen C1866079, OMIM 601884.
Osteoporosis. Identifiers: MedGen C0029456, MONDO:0005298, OMIM 166710, HP:0000939.
Worth disease. Also called: Autosomal dominant osteosclerosis, Worth type; ENDOSTEAL HYPEROSTOSIS, AUTOSOMAL DOMINANT; OSTEOSCLEROSIS, AUTOSOMAL DOMINANT. Identifiers: Orphanet 2790, MedGen C0432273, MONDO:0007764, OMIM 144750.

Allele frequency attached by ClinVar (database versions not stated): 1000 Genomes Project 0.00080; gnomAD 0.00022; TOPMed 0.00045; 1000 Genomes Project 30x 0.00078.
gnomAD v4.1: 584 of 1,613,212 alleles (0.036%); highest among the groups gnomAD compares: South Asian, 0.36%; 7 homozygotes.

Submissions (10):

CeGaT Center for Human Genetics Tuebingen
Classification: Likely benign. Last evaluated: 2026-07-01. Review status: criteria provided, single submitter. Criteria: CeGaT Center For Human Genetics Tuebingen Variant Classification Criteria Version 2. Collection method: clinical testing. Allele origin: germline. Affected: yes. Observed: 1 variant allele.
Comment: LRP5: BP4, BP7

Labcorp Genetics (formerly Invitae), Labcorp
Classification: Benign. Last evaluated: 2026-02-01. Review status: criteria provided, single submitter. Criteria: Invitae Variant Classification Sherloc (09022015). Collection method: clinical testing. Allele origin: germline.

Mayo Clinic Laboratories, Mayo Clinic
Classification: Benign. Last evaluated: 2025-04-30. Review status: criteria provided, single submitter. Criteria: ACMG Guidelines, 2015. Collection method: clinical testing. Allele origin: germline. Observed: 1 variant allele.
Comment: BS1, BS2, BP4, BP7

Blueprint Genetics
Classification: Likely benign. Last evaluated: 2024-11-07. Review status: criteria provided, single submitter. Criteria: ACMG Guidelines, 2015. Collection method: clinical testing. Allele origin: germline.

Women's Health and Genetics/Laboratory Corporation of America, LabCorp
Classification: Benign. Last evaluated: 2024-04-23. Review status: criteria provided, single submitter. Criteria: LabCorp Variant Classification Summary - May 2015. Collection method: clinical testing. Allele origin: germline.

Fulgent Genetics
Classification: Likely benign for Exudative vitreoretinopathy 1; Worth disease; Osteoporosis; Osteoporosis with pseudoglioma; Exudative vitreoretinopathy 4; Bone mineral density quantitative trait locus 1; Autosomal dominant osteopetrosis 1; Polycystic liver disease 4 with or without kidney cysts. Last evaluated: 2021-10-05. Review status: criteria provided, single submitter. Criteria: ACMG Guidelines, 2015. Collection method: clinical testing. Allele origin: unknown.

GeneDx
Classification: Likely benign. Last evaluated: 2021-01-22. Review status: criteria provided, single submitter. Criteria: GeneDx Variant Classification Process June 2021. Collection method: clinical testing. Allele origin: germline. Affected: yes.

Eurofins Ntd Llc (ga)
Classification: Likely benign. Last evaluated: 2016-11-30. Review status: criteria provided, single submitter. Criteria: EGL Classification Definitions 2015. Collection method: clinical testing. Allele origin: germline. Observed: 1 variant allele, 1 heterozygote.

Clinical Genetics DNA and cytogenetics Diagnostics Lab, Erasmus MC, Erasmus Medical Center
Classification: Likely benign. Review status: no assertion criteria provided. Collection method: clinical testing. Allele origin: germline. Affected: yes. Study: VKGL Data-share Consensus. Not counted in ClinVar's aggregate classification.

Clinical Genetics, Academic Medical Center
Classification: Likely benign. Review status: no assertion criteria provided. Collection method: clinical testing. Allele origin: germline. Affected: yes. Study: VKGL Data-share Consensus. Not counted in ClinVar's aggregate classification.